The following is an entry in ClinVar:

NM_015346.4(ZFYVE26):c.4070A>G (p.Glu1357Gly)

Gene: ZFYVE26 (zinc finger FYVE-type containing 26; minus strand). Cytogenetic location: 14q24.1.
Variant type: single nucleotide variant.
Coding change: c.4070A>G on transcript NM_015346.4 (MANE Select); coding-DNA position 4070, A replaced by G.
Protein change: p.Glu1357Gly; replaces glutamic acid 1357 with glycine.
Molecular consequence: missense variant.
Genome position (GRCh38, 1-based): chr14:67,783,082, T>C on the plus strand (A>G on the coding strand, the complement: ZFYVE26 is on the minus strand). VCF-style: chr14-67783082-T-C. GRCh37 (hg19) VCF-style: chr14-68249799-T-C.
Other names: short protein forms E1357G.
Identifiers: ClinVar variation 1904795 (VCV001904795.3), dbSNP rs747570030, ClinGen allele CA7239843.

ClinVar aggregate classification (germline): Uncertain significance (1 of 4 stars; one submission).

Conditions:
Spastic paraplegia. Identifiers: MedGen C0037772, HP:0001258.

Allele frequency attached by ClinVar (database versions not stated): gnomAD 0.00001; TOPMed 0.00006; ExAC 0.00018.
gnomAD v4.1: 51 of 1,613,564 alleles (0.0032%); highest among the groups gnomAD compares: Admixed American, 0.082%; no homozygotes.

Submission:

Labcorp Genetics (formerly Invitae), Labcorp
Classification: Uncertain significance for Spastic paraplegia. Last evaluated: 2024-10-28. Review status: criteria provided, single submitter. Criteria: Invitae Variant Classification Sherloc (09022015). Collection method: clinical testing. Allele origin: germline.
Comment: This sequence change replaces glutamic acid, which is acidic and polar, with glycine, which is neutral and non-polar, at codon 1357 of the ZFYVE26 protein (p.Glu1357Gly). This variant is present in population databases (rs747570030, gnomAD 0.1%). This variant has not been reported in the literature in individuals affected with ZFYVE26-related conditions. ClinVar contains an entry for this variant (Variation ID: 1904795). An algorithm developed to predict the effect of missense changes on protein structure and function (PolyPhen-2) suggests that this variant is likely to be disruptive. In summary, the available evidence is currently insufficient to determine the role of this variant in disease. Therefore, it has been classified as a Variant of Uncertain Significance.